The following is an entry in ClinVar:

ClinVar aggregate classification (germline): Pathogenic (1 of 4 stars; one submission).

Conditions:
Multiple congenital exostosis (EXT). Also called: MULTIPLE CARTILAGINOUS EXOSTOSES; Multiple osteochondromas; Multiple exostoses; Hereditary multiple exostoses; Hereditary multiple exostosis; Hereditary multiple osteochondromas. Identifiers: Orphanet 321, MedGen C0015306, MONDO:0005508, HP:0002762.

Submission:

Labcorp Genetics (formerly Invitae), Labcorp
Classification: Pathogenic for Multiple congenital exostosis. Last evaluated: 2018-07-03. Review status: criteria provided, single submitter. Criteria: Invitae Variant Classification Sherloc (09022015). Collection method: clinical testing. Allele origin: germline.
Comment: For these reasons, this variant has been classified as Pathogenic. Loss-of-function variants in EXT1 are known to be pathogenic (PMID: 10679937, 11391482, 19810120). This variant has been reported in the literature in individuals affected with multiple osteochondromas (PMID: 17041877, 22258776). This variant is not present in population databases (ExAC no frequency). This sequence change creates a premature translational stop signal (p.Gln122*) in the EXT1 gene. It is expected to result in an absent or disrupted protein product.

Literature cited by the submitters: PubMed 10679937; PubMed 11391482; PubMed 19810120; PubMed 17041877; PubMed 22258776.

NM_000127.3(EXT1):c.364C>T (p.Gln122Ter)

Gene: EXT1 (exostosin glycosyltransferase 1; minus strand). Cytogenetic location: 8q24.11.
Variant type: single nucleotide variant.
Coding change: c.364C>T on transcript NM_000127.3 (MANE Select); coding-DNA position 364, C replaced by T.
Protein change: p.Gln122Ter; replaces glutamine 122 with a stop codon.
Molecular consequence: nonsense.
Genome position (GRCh38, 1-based): chr8:118,110,683, G>A on the plus strand (C>T on the coding strand, the complement: EXT1 is on the minus strand). VCF-style: chr8-118110683-G-A. GRCh37 (hg19) VCF-style: chr8-119122922-G-A.
Other names: short protein forms Q122*.
Identifiers: ClinVar variation 646183 (VCV000646183.8), dbSNP rs1586279835, ClinGen allele CA371916015.